The following is an entry in ClinVar:

NM_003900.5(SQSTM1):c.995C>G (p.Ser332Ter)

Gene: SQSTM1 (sequestosome 1; plus strand). Cytogenetic location: 5q35.3.
Variant type: single nucleotide variant.
Coding change: c.995C>G on transcript NM_003900.5 (MANE Select); coding-DNA position 995, C replaced by G.
Protein change: p.Ser332Ter; replaces serine 332 with a stop codon.
Molecular consequence: nonsense.
Genome position (GRCh38, 1-based): chr5:179,833,612, C>G. VCF-style: chr5-179833612-C-G. GRCh37 (hg19) VCF-style: chr5-179260612-C-G.
Other names: c.743C>G, p.Ser248Ter (NM_001142298.2, NM_001142299.2); short protein forms S248*, S332*.
Identifiers: ClinVar variation 642133 (VCV000642133.8), dbSNP rs1185406298, ClinGen allele CA362452408.

ClinVar aggregate classification (germline): Pathogenic (1 of 4 stars; one submission).

Conditions:
Paget disease of bone 2, early-onset (PDB2). Also called: Paget disease of bone 2. Identifiers: MedGen C4085251, MONDO:0011183, OMIM 602080.
Frontotemporal dementia and/or amyotrophic lateral sclerosis 1 (FTDALS1). Also called: C9orf72 Frontotemporal Dementia and/or Amyotrophic Lateral Sclerosis; Frontotemporal dementia with motor neuron disease 1. Identifiers: Orphanet 275872, MedGen C5779877, MONDO:0007105, OMIM 105550.

Allele frequency attached by ClinVar (database versions not stated): gnomAD 0.00001; TOPMed 0.00001.
gnomAD v4.1: 7 of 1,614,014 alleles (0.00043%); highest among the groups gnomAD compares: Non-Finnish European, 0.00059%; no homozygotes.

Submission:

Labcorp Genetics (formerly Invitae), Labcorp
Classification: Pathogenic for Paget disease of bone 2, early-onset; Frontotemporal dementia and/or amyotrophic lateral sclerosis 1. Last evaluated: 2025-04-23. Review status: criteria provided, single submitter. Criteria: Invitae Variant Classification Sherloc (09022015). Collection method: clinical testing. Allele origin: germline.
Comment: This sequence change creates a premature translational stop signal (p.Ser332*) in the SQSTM1 gene. It is expected to result in an absent or disrupted protein product. Loss-of-function variants in SQSTM1 are known to be pathogenic (PMID: 27545679, 29959261). This variant is not present in population databases (gnomAD no frequency). This variant has not been observed in the literature in individuals with autosomal recessive SQSTM1-related conditions. This variant has been reported in individual(s) with amyotrophic lateral sclerosis (PMID: 33125541); however, the role of the variant in this condition is currently unclear. ClinVar contains an entry for this variant (Variation ID: 642133). For these reasons, this variant has been classified as Pathogenic.

Literature cited by the submitters: PubMed 27545679; PubMed 29959261; PubMed 33125541.